The following is an entry in ClinVar:

ClinVar aggregate classification (germline): Uncertain significance (1 of 4 stars; one submission).

Conditions:
Hereditary cancer-predisposing syndrome. Also called: Neoplastic Syndromes, Hereditary; Tumor predisposition; Hereditary neoplastic syndrome; Hereditary Cancer Syndrome. Identifiers: Orphanet 140162, MedGen C0027672, MeSH D009386, MONDO:0015356.

Submission:

Ambry Genetics
Classification: Uncertain significance for Hereditary cancer-predisposing syndrome. Last evaluated: 2026-07-07. Review status: criteria provided, single submitter. Criteria: Ambry Variant Classification Scheme 2023. Collection method: clinical testing. Allele origin: germline.
Comment: The p.H134D variant (also known as c.400C>G), located in coding exon 5 of the SDHC gene, results from a C to G substitution at nucleotide position 400. The histidine at codon 134 is replaced by aspartic acid, an amino acid with similar properties. This amino acid position is conserved. In addition, this alteration is predicted to be deleterious by in silico analysis. Based on the available evidence, the clinical significance of this variant remains unclear.

NM_003001.5(SDHC):c.400C>G (p.His134Asp)

Gene: SDHC (succinate dehydrogenase complex subunit C; plus strand). Cytogenetic location: 1q23.3.
Variant type: single nucleotide variant.
Coding change: c.400C>G on transcript NM_003001.5 (MANE Select); coding-DNA position 400, C replaced by G.
Protein change: p.His134Asp; replaces histidine 134 with aspartic acid.
Molecular consequence: missense variant. On other transcripts: non-coding transcript variant (1), intron variant (3).
Genome position (GRCh38, 1-based): chr1:161,356,835, C>G. VCF-style: chr1-161356835-C-G. GRCh37 (hg19) VCF-style: chr1-161326625-C-G.
Other names: c.298C>G, p.His100Asp (NM_001035512.3); c.241C>G, p.His81Asp (NM_001035513.3); c.520C>G, p.His174Asp (NM_001407115.1); c.343C>G, p.His115Asp (NM_001407116.1); c.337C>G, p.His113Asp (NM_001407117.1); c.292C>G, p.His98Asp (NM_001407118.1); c.289C>G, p.His97Asp (NM_001407119.1, NM_001407120.1); c.242-5494C>G (NM_001035511.3); and 2 more; short protein forms H113D, H115D, H97D, H98D, H100D, H134D, H174D, H81D.
Identifiers: ClinVar variation 5029326 (VCV005029326.1).